The following is an entry in ClinVar:

NM_178857.6(RP1L1):c.529A>T (p.Asn177Tyr)

Gene: RP1L1 (RP1 like 1). Cytogenetic location: 8p23.1.
Variant type: single nucleotide variant.
Coding change: c.529A>T on transcript NM_178857.6 (MANE Select); coding-DNA position 529, A replaced by T.
Protein change: p.Asn177Tyr; replaces asparagine 177 with tyrosine.
Molecular consequence: missense variant.
Genome position (GRCh38, 1-based): chr8:10,622,673, T>A on the plus strand (A>T on the coding strand, the complement: RP1L1 is on the minus strand). VCF-style: chr8-10622673-T-A. GRCh37 (hg19) VCF-style: chr8-10480183-T-A.
Other names: short protein forms N177Y.
Identifiers: ClinVar variation 1979101 (VCV001979101.5), dbSNP rs377090097, ClinGen allele CA171954628.

ClinVar aggregate classification (germline): Uncertain significance. Review status: criteria provided, multiple submitters, no conflicts (2 of 4 stars). 2 submissions from 2 submitters: Uncertain significance (2). Last evaluated 2025-07-25.

Allele frequency attached by ClinVar (database versions not stated): TOPMed below 0.00001; gnomAD exomes 0.00001; ESP Exome Variant Server 0.00008.
gnomAD v4.1: 13 of 1,614,178 alleles (0.00081%); highest among the groups gnomAD compares: Non-Finnish European, 0.0011%; no homozygotes.

Submissions (2):

Labcorp Genetics (formerly Invitae), Labcorp
Classification: Uncertain significance. Last evaluated: 2025-07-25. Review status: criteria provided, single submitter. Criteria: Invitae Variant Classification Sherloc (09022015). Collection method: clinical testing. Allele origin: germline.
Comment: This sequence change replaces asparagine, which is neutral and polar, with tyrosine, which is neutral and polar, at codon 177 of the RP1L1 protein (p.Asn177Tyr). This variant is present in population databases (rs377090097, gnomAD 0.0009%). This variant has not been reported in the literature in individuals affected with RP1L1-related conditions. ClinVar contains an entry for this variant (Variation ID: 1979101). Invitae Evidence Modeling of protein sequence and biophysical properties (such as structural, functional, and spatial information, amino acid conservation, physicochemical variation, residue mobility, and thermodynamic stability) indicates that this missense variant is not expected to disrupt RP1L1 protein function with a negative predictive value of 80%. In summary, the available evidence is currently insufficient to determine the role of this variant in disease. Therefore, it has been classified as a Variant of Uncertain Significance.

Blueprint Genetics
Classification: Uncertain significance. Last evaluated: 2022-11-18. Review status: criteria provided, single submitter. Criteria: ACMG Guidelines, 2015. Collection method: clinical testing. Allele origin: germline.